The following is an entry in ClinVar:

NM_002334.4(LRP4):c.2830C>T (p.Gln944Ter)

Gene: LRP4 (LDL receptor related protein 4; minus strand). Cytogenetic location: 11p11.2.
Variant type: single nucleotide variant.
Coding change: c.2830C>T on transcript NM_002334.4 (MANE Select); coding-DNA position 2830, C replaced by T.
Protein change: p.Gln944Ter; replaces glutamine 944 with a stop codon.
Molecular consequence: nonsense.
Genome position (GRCh38, 1-based): chr11:46,879,300, G>A on the plus strand (C>T on the coding strand, the complement: LRP4 is on the minus strand). VCF-style: chr11-46879300-G-A. GRCh37 (hg19) VCF-style: chr11-46900851-G-A.
Other names: short protein forms Q944*.
Identifiers: ClinVar variation 1323250 (VCV001323250.8), dbSNP rs1218582533, ClinGen allele CA380277665.

ClinVar aggregate classification (germline): Pathogenic. Review status: criteria provided, multiple submitters, no conflicts (2 of 4 stars). 2 submissions from 2 submitters: Pathogenic (2). Last evaluated 2022-06-12.

Conditions:
Sclerosteosis 2 (SOST2). Identifiers: Orphanet 3152, MedGen C3280402, MONDO:0013679, OMIM 614305.
Cenani-Lenz syndactyly syndrome. Also called: SYNDACTYLY, TYPE VII; CENANI SYNDACTYLISM. Identifiers: Orphanet 3258, MedGen C1859309, MONDO:0008931, OMIM 212780.
Congenital myasthenic syndrome 17. Identifiers: Orphanet 590, MedGen C4225377, MONDO:0014578, OMIM 616304.

Allele frequency attached by ClinVar (database versions not stated): gnomAD exomes below 0.00001.

Submissions (2):

Labcorp Genetics (formerly Invitae), Labcorp
Classification: Pathogenic for Cenani-Lenz syndactyly syndrome; Sclerosteosis 2; Congenital myasthenic syndrome 17. Last evaluated: 2022-06-12. Review status: criteria provided, single submitter. Criteria: Invitae Variant Classification Sherloc (09022015). Collection method: clinical testing. Allele origin: germline.
Comment: For these reasons, this variant has been classified as Pathogenic. ClinVar contains an entry for this variant (Variation ID: 1323250). This variant has not been reported in the literature in individuals affected with LRP4-related conditions. This variant is not present in population databases (gnomAD no frequency). This sequence change creates a premature translational stop signal (p.Gln944*) in the LRP4 gene. It is expected to result in an absent or disrupted protein product. Loss-of-function variants in LRP4 are known to be pathogenic (PMID: 23636941, 24924585).

Revvity Omics, Revvity
Classification: Pathogenic. Last evaluated: 2019-10-02. Review status: criteria provided, single submitter. Criteria: ACMG Guidelines, 2015. Collection method: clinical testing. Allele origin: germline.

Literature cited by the submitters: PubMed 23636941 (cited by Labcorp Genetics (formerly Invitae), Labcorp); PubMed 24924585 (cited by Labcorp Genetics (formerly Invitae), Labcorp).